The following is an entry in ClinVar:

ClinVar aggregate classification (germline): Benign (1 of 4 stars; one submission).

Allele frequency attached by ClinVar (database versions not stated): gnomAD exomes 0.01470; gnomAD 0.03970 and 0.04241; 1000 Genomes Project 0.04133; 1000 Genomes Project 30x 0.04201; TOPMed 0.04700.
gnomAD v4.1: 24,989 of 1,417,866 alleles (1.8%); highest among the groups gnomAD compares: African/African-American, 11%; 595 homozygotes.

Submission:

GeneDx
Classification: Benign. Last evaluated: 2018-06-13. Review status: criteria provided, single submitter. Criteria: GeneDx Variant Classification (06012015). Collection method: clinical testing. Allele origin: germline. Affected: yes.
Comment: This variant is considered likely benign or benign based on one or more of the following criteria: it is a conservative change, it occurs at a poorly conserved position in the protein, it is predicted to be benign by multiple in silico algorithms, and/or has population frequency not consistent with disease.

NM_014722.5(RIPOR2):c.2408-78G>A

Gene: RIPOR2 (RHO family interacting cell polarization regulator 2; minus strand). Cytogenetic location: 6p22.3.
Variant type: single nucleotide variant.
Coding change: c.2408-78G>A on transcript NM_014722.5; 78 bases into the intron before coding-DNA position 2408, G replaced by A.
Genome position (GRCh38, 1-based): chr6:24,830,748, C>T on the plus strand (G>A on the coding strand, the complement: RIPOR2 is on the minus strand). VCF-style: chr6-24830748-C-T. GRCh37 (hg19) VCF-style: chr6-24830976-C-T.
Other names: c.2345-78G>A (NM_001286445.3); c.2258-78G>A (NM_001346031.2, NM_001346032.2).
Identifiers: ClinVar variation 682789 (VCV000682789.2), dbSNP rs45619241, ClinGen allele CA136170218.
Genomic context (GRCh38, chr6:24,830,748, plus strand): 5'-CCCCCCATCTCGTAACACATTTTATTTTATTTTATTTTATTTTTTTGAGACAGAGTCTTG[C>T]TTTGTTACCCAGGCTGGAGTGCAATGGCATGATCTCAGCTCACTGGAACTTCCGCCTCCT-3'